The following is an entry in ClinVar:

ClinVar aggregate classification (germline): Uncertain significance (1 of 4 stars; one submission).

Conditions:
Neurofibromatosis, type 1 (NF1). Also called: VON RECKLINGHAUSEN DISEASE; Neurofibromatosis, type I; NEUROFIBROMATOSIS, TYPE I, SOMATIC; Peripheral type neurofibromatosis. Identifiers: Orphanet 636, MedGen C0027831, MONDO:0018975, OMIM 162200. Disease mechanism: loss of function.

Submission:

Labcorp Genetics (formerly Invitae), Labcorp
Classification: Uncertain significance for Neurofibromatosis, type 1. Last evaluated: 2025-02-27. Review status: criteria provided, single submitter. Criteria: Invitae Variant Classification Sherloc (09022015). Collection method: clinical testing. Allele origin: germline.
Comment: This sequence change replaces cysteine, which is neutral and slightly polar, with glycine, which is neutral and non-polar, at codon 434 of the NF1 protein (p.Cys434Gly). This variant is not present in population databases (gnomAD no frequency). This variant has not been reported in the literature in individuals affected with NF1-related conditions. Invitae Evidence Modeling of protein sequence and biophysical properties (such as structural, functional, and spatial information, amino acid conservation, physicochemical variation, residue mobility, and thermodynamic stability) has been performed for this missense variant. However, the output from this modeling did not meet the statistical confidence thresholds required to predict the impact of this variant on NF1 protein function. In summary, the available evidence is currently insufficient to determine the role of this variant in disease. Therefore, it has been classified as a Variant of Uncertain Significance.

NM_001042492.3(NF1):c.1300T>G (p.Cys434Gly)

Gene: NF1 (neurofibromin 1; plus strand). Cytogenetic location: 17q11.2.
Variant type: single nucleotide variant.
Coding change: c.1300T>G on transcript NM_001042492.3 (MANE Select); coding-DNA position 1300, T replaced by G.
Protein change: p.Cys434Gly; replaces cysteine 434 with glycine.
Molecular consequence: missense variant.
Genome position (GRCh38, 1-based): chr17:31,206,279, T>G. VCF-style: chr17-31206279-T-G. GRCh37 (hg19) VCF-style: chr17-29533297-T-G.
Other names: c.1300T>G, p.Cys434Gly (NM_000267.4, NM_001128147.3); short protein forms C434G.
Identifiers: ClinVar variation 4800720 (VCV004800720.1).